The following is an entry in ClinVar:

NM_007194.4(CHEK2):c.1008G>C (p.Gln336His)

Gene: CHEK2 (checkpoint kinase 2; minus strand). Cytogenetic location: 22q12.1.
Variant type: single nucleotide variant.
Coding change: c.1008G>C on transcript NM_007194.4 (MANE Select); coding-DNA position 1008, G replaced by C.
Protein change: p.Gln336His; replaces glutamine 336 with histidine.
Molecular consequence: missense variant.
Genome position (GRCh38, 1-based): chr22:28,699,838, C>G on the plus strand (G>C on the coding strand, the complement: CHEK2 is on the minus strand). VCF-style: chr22-28699838-C-G. GRCh37 (hg19) VCF-style: chr22-29095826-C-G.
Other names: c.1137G>C, p.Gln379His (NM_001005735.3); c.345G>C, p.Gln115His (NM_001257387.3); c.807G>C, p.Gln269His (NM_001349956.3); c.1008G>C, p.Gln336His (NM_145862.3); short protein forms Q379H, Q115H, Q269H, Q336H.
Identifiers: ClinVar variation 1792143 (VCV001792143.4), dbSNP rs201544715, ClinGen allele CA411099253.

ClinVar aggregate classification (germline): Uncertain significance. Review status: criteria provided, multiple submitters, no conflicts (2 of 4 stars). 2 submissions from 2 submitters: Uncertain significance (2). Last evaluated 2026-02-13.

Conditions:
Hereditary cancer-predisposing syndrome. Also called: Tumor predisposition; Hereditary Cancer Syndrome; Hereditary neoplastic syndrome; Neoplastic Syndromes, Hereditary. Identifiers: Orphanet 140162, MedGen C0027672, MeSH D009386, MONDO:0015356.
Familial cancer of breast. Also called: BREAST CANCER, FAMILIAL; hereditary breast carcinoma; Hereditary breast cancer. Identifiers: Orphanet 227535, MedGen C0346153, MONDO:0016419, OMIM 114480. Disease mechanism: loss of function.

Submissions (2):

Ambry Genetics
Classification: Uncertain significance for Hereditary cancer-predisposing syndrome. Last evaluated: 2026-02-13. Review status: criteria provided, single submitter. Criteria: Ambry Variant Classification Scheme 2023. Collection method: clinical testing. Allele origin: germline.
Comment: The p.Q336H variant (also known as c.1008G>C), located in coding exon 8 of the CHEK2 gene, results from a G to C substitution at nucleotide position 1008. The amino acid change results in glutamine to histidine at codon 336, an amino acid with highly similar properties. However, this change occurs in the last base pair of coding exon 8, which makes it likely to have some effect on normal mRNA splicing. This nucleotide position is highly conserved in available vertebrate species. This amino acid position is not well conserved in available vertebrate species. In silico splice site analysis predicts that this alteration will weaken the native splice donor site. In addition, this alteration is predicted to be tolerated by in silico analysis. Based on the available evidence, the clinical significance of this variant remains unclear.

Labcorp Genetics (formerly Invitae), Labcorp
Classification: Uncertain significance for Familial cancer of breast. Last evaluated: 2025-03-25. Review status: criteria provided, single submitter. Criteria: Invitae Variant Classification Sherloc (09022015). Collection method: clinical testing. Allele origin: germline.
Comment: This sequence change replaces glutamine, which is neutral and polar, with histidine, which is basic and polar, at codon 336 of the CHEK2 protein (p.Gln336His). This variant also falls at the last nucleotide of exon 9, which is part of the consensus splice site for this exon. This variant is not present in population databases (gnomAD no frequency). This variant has not been reported in the literature in individuals affected with CHEK2-related conditions. ClinVar contains an entry for this variant (Variation ID: 1792143). An algorithm developed to predict the effect of missense changes on protein structure and function (PolyPhen-2) suggests that this variant is likely to be tolerated. Variants that disrupt the consensus splice site are a relatively common cause of aberrant splicing (PMID: 17576681, 9536098). RNA analysis provides insufficient evidence to determine the effect of this variant on CHEK2 splicing (internal data). In summary, the available evidence is currently insufficient to determine the role of this variant in disease. Therefore, it has been classified as a Variant of Uncertain Significance.

Literature cited by the submitters: PubMed 17576681 (cited by Labcorp Genetics (formerly Invitae), Labcorp); PubMed 9536098 (cited by Labcorp Genetics (formerly Invitae), Labcorp).